The following is an entry in ClinVar:

NM_017547.4(FOXRED1):c.1057G>T (p.Glu353Ter)

Gene: FOXRED1 (FAD dependent oxidoreductase domain containing 1; plus strand). Cytogenetic location: 11q24.2.
Variant type: single nucleotide variant.
Coding change: c.1057G>T on transcript NM_017547.4 (MANE Select); coding-DNA position 1057, G replaced by T.
Protein change: p.Glu353Ter; replaces glutamic acid 353 with a stop codon.
Molecular consequence: nonsense. On other transcripts: non-coding transcript variant (2).
Genome position (GRCh38, 1-based): chr11:126,276,479, G>T. VCF-style: chr11-126276479-G-T. GRCh37 (hg19) VCF-style: chr11-126146374-G-T.
Other names: short protein forms E353*.
Identifiers: ClinVar variation 981124 (VCV000981124.4), dbSNP rs780131344, ClinGen allele CA383230986.

ClinVar aggregate classification (germline): Pathogenic/Likely pathogenic. Review status: criteria provided, multiple submitters, no conflicts (2 of 4 stars). 2 submissions from 2 submitters: Pathogenic (1); Likely pathogenic (1). Last evaluated 2026-01-04.

Conditions:
Mitochondrial complex I deficiency, nuclear type 19. Also called: Mitochondrial complex 1 deficiency, nuclear type 19. Identifiers: MedGen C4748791, MONDO:0032624, OMIM 618241.

Allele frequency attached by ClinVar (database versions not stated): TOPMed 0.00001.

Submissions (2):

Labcorp Genetics (formerly Invitae), Labcorp
Classification: Pathogenic. Last evaluated: 2026-01-04. Review status: criteria provided, single submitter. Criteria: Invitae Variant Classification Sherloc (09022015). Collection method: clinical testing. Allele origin: germline.
Comment: This sequence change creates a premature translational stop signal (p.Glu353*) in the FOXRED1 gene. It is expected to result in an absent or disrupted protein product. Loss-of-function variants in FOXRED1 are known to be pathogenic (PMID: 20818383, 20858599). This variant is not present in population databases (gnomAD no frequency). This variant has not been reported in the literature in individuals affected with FOXRED1-related conditions. ClinVar contains an entry for this variant (Variation ID: 981124). Algorithms developed to predict the effect of sequence changes on RNA splicing suggest that this variant may disrupt the consensus splice site. For these reasons, this variant has been classified as Pathogenic.

Women's Health and Genetics/Laboratory Corporation of America, LabCorp
Classification: Likely pathogenic for Mitochondrial complex 1 deficiency, nuclear type 19. Last evaluated: 2020-09-30. Review status: criteria provided, single submitter. Criteria: LabCorp Variant Classification Summary - May 2015. Collection method: clinical testing. Allele origin: germline.
Comment: Variant summary: FOXRED1 c.1057G>T (p.Glu353X) results in a premature termination codon, predicted to cause a truncation of the encoded protein or absence of the protein due to nonsense mediated decay, which are commonly known mechanisms for disease. The variant allele was found at a frequency of 4e-06 in 250050 control chromosomes. To our knowledge, no occurrence of c.1057G>T in individuals affected with Mitochondrial Complex 1 Deficiency, Nuclear Type 19 and no experimental evidence demonstrating its impact on protein function have been reported. No clinical diagnostic laboratories have submitted clinical-significance assessments for this variant to ClinVar after 2014. Based on the evidence outlined above, the variant was classified as likely pathogenic.

Literature cited by the submitters: PubMed 20818383 (cited by Labcorp Genetics (formerly Invitae), Labcorp); PubMed 20858599 (cited by Labcorp Genetics (formerly Invitae), Labcorp).